The following is an entry in ClinVar:

ClinVar aggregate classification (germline): Pathogenic/Likely pathogenic. Review status: criteria provided, multiple submitters, no conflicts (2 of 4 stars). 3 submissions from 3 submitters: Pathogenic (1); Likely pathogenic (2). Last evaluated 2026-03-04.

Conditions:
Ectopia lentis et pupillae. Also called: ECTOPIA LENTIS WITH ECTOPIA OF PUPIL. Identifiers: Orphanet 1885, MedGen C1644196, MONDO:0009153, OMIM 225200.
ADAMTSL4-related disorder. Also called: ADAMTSL4-related condition; ADAMTSL4-Related Disorders.

Allele frequency attached by ClinVar (database versions not stated): gnomAD exomes 0.00001; TOPMed 0.00001; ExAC 0.00001.
gnomAD v4.1: 22 of 1,613,886 alleles (0.0014%); highest among the groups gnomAD compares: East Asian, 0.0045%; no homozygotes.

Submissions (3):

PreventionGenetics, part of Exact Sciences
Classification: Likely pathogenic for ADAMTSL4-related condition. Last evaluated: 2026-03-04. Review status: criteria provided, single submitter. Criteria: ACMG Guidelines, 2015. Collection method: clinical testing. Allele origin: germline.
Comment: The ADAMTSL4 c.3019C>T variant is predicted to result in premature protein termination (p.Arg1007*). To our knowledge, this variant has not been reported in the literature. This variant is reported in 0.00088% of alleles in individuals of European (Non-Finnish) descent in gnomAD. Nonsense variants in ADAMTSL4 are expected to be pathogenic. This variant is interpreted as likely pathogenic.

Neuberg Centre For Genomic Medicine, NCGM
Classification: Likely pathogenic for Ectopia lentis et pupillae. Last evaluated: 2024-02-01. Review status: criteria provided, single submitter. Criteria: ACMG Guidelines, 2015. Collection method: clinical testing. Allele origin: germline. Inheritance: Autosomal recessive inheritance. Affected: yes.
Comment: The stop gained c.3019C>T(p.Arg1007Ter) variant in ADAMTSL4 gene has been submitted as pathogenic in clinvar, but has not been reported in literature to our knowledge. This variant is present with an allele frequency of 0.0004% in gnomAD Exomes. The nucleotide change c.3019C>T in ADAMTSL4 is predicted as conserved by GERP++ and PhyloP across 100 vertebrates. Computational evidence (MutationTaster - Disease causing) predict damaging effect on protein structure and function for this variant. Loss of function variants have been previously reported to be disease causing. However since this variant is present in the penultimate exon, additional functional studies will be required to prove protein truncation. For these reasons, this variant has been classified as Likely Pathogenic.

Labcorp Genetics (formerly Invitae), Labcorp
Classification: Pathogenic. Last evaluated: 2023-02-08. Review status: criteria provided, single submitter. Criteria: Invitae Variant Classification Sherloc (09022015). Collection method: clinical testing. Allele origin: germline.
Comment: For these reasons, this variant has been classified as Pathogenic. This variant has not been reported in the literature in individuals affected with ADAMTSL4-related conditions. This variant is present in population databases (rs768395332, gnomAD 0.002%). This sequence change creates a premature translational stop signal (p.Arg1007*) in the ADAMTSL4 gene. It is expected to result in an absent or disrupted protein product. Loss-of-function variants in ADAMTSL4 are known to be pathogenic (PMID: 20564469, 28642162).

Literature cited by the submitters: PubMed 20564469 (cited by Labcorp Genetics (formerly Invitae), Labcorp); PubMed 28642162 (cited by Labcorp Genetics (formerly Invitae), Labcorp).

NM_019032.6(ADAMTSL4):c.3019C>T (p.Arg1007Ter)

Gene: ADAMTSL4 (ADAMTS like 4; plus strand). Cytogenetic location: 1q21.2.
Variant type: single nucleotide variant.
Coding change: c.3019C>T on transcript NM_019032.6 (MANE Select); coding-DNA position 3019, C replaced by T.
Protein change: p.Arg1007Ter; replaces arginine 1007 with a stop codon.
Molecular consequence: nonsense.
Genome position (GRCh38, 1-based): chr1:150,559,836, C>T. VCF-style: chr1-150559836-C-T. GRCh37 (hg19) VCF-style: chr1-150532312-C-T.
Other names: c.3019C>T (NM_019032.5); c.2902C>T, p.Arg968Ter (NM_001288607.2); c.3088C>T, p.Arg1030Ter (NM_001288608.2); c.3019C>T, p.Arg1007Ter (NM_001378596.1); short protein forms R1007*, R1030*, R968*.
Identifiers: ClinVar variation 1927084 (VCV001927084.7), dbSNP rs768395332, ClinGen allele CA1078923.
Genomic context (GRCh38, chr1:150,559,836, plus strand): 5'-CAAGGGGGAACGCAGACACGGGAGGTCCAGTGCCTGAGCACCAACCAGACCCTCAGCACC[C>T]GATGCCCTCCTCAACTGCGGCCCTCCAGGAAGCGCCCCTGTAACAGCCAACCCTGCAGCC-3'